The following is an entry in ClinVar:

ClinVar aggregate classification (germline): Benign. Review status: reviewed by expert panel (3 of 4 stars). 24 submissions from 24 submitters: Benign (1). 23 of the submissions do not count toward it. Last evaluated 2013-09-05.

Conditions:
Hereditary nonpolyposis colorectal neoplasms. Identifiers: MedGen C0009405, MeSH D003123.
Hereditary cancer-predisposing syndrome. Also called: Neoplastic Syndromes, Hereditary; Tumor predisposition; Hereditary Cancer Syndrome; Hereditary neoplastic syndrome. Identifiers: Orphanet 140162, MedGen C0027672, MeSH D009386, MONDO:0015356.
Lynch syndrome. Identifiers: Orphanet 144, MedGen C4552100, MONDO:0005835. Disease mechanism: loss of function.
Lynch syndrome 5 (LYNCH5). Also called: Colorectal cancer, hereditary nonpolyposis, type 5; Hereditary non-polyposis colorectal cancer, type 5. Identifiers: Orphanet 144, MedGen C1833477, MONDO:0013710, OMIM 614350. Disease mechanism: loss of function.

Allele frequency attached by ClinVar (database versions not stated): 1000 Genomes Project 0.06909; gnomAD 0.12553 and 0.12806; ESP Exome Variant Server 0.11664; gnomAD exomes 0.17069 and 0.14442; ExAC 0.21466; 1000 Genomes Project 30x 0.06824; TOPMed 0.12596.

Submissions (24):

International Society for Gastrointestinal Hereditary Tumours (InSiGHT)
Classification: Benign for Lynch Syndrome. Last evaluated: 2013-09-05. Review status: reviewed by expert panel. Criteria: Guidelines v1.9. Collection method: research. Allele origin: germline.
Comment: MAF >1%

Classified with v1.9 guidelines
ClinVar note: Converted during submission from no known pathogenicity to Benign.

Labcorp Genetics (formerly Invitae), Labcorp
Classification: Benign for Hereditary nonpolyposis colorectal neoplasms. Last evaluated: 2026-02-04. Review status: criteria provided, single submitter. Criteria: Invitae Variant Classification Sherloc (09022015). Collection method: clinical testing. Allele origin: germline. Not counted in ClinVar's aggregate classification.

ARUP Laboratories, Molecular Genetics and Genomics, ARUP Laboratories
Classification: Benign. Last evaluated: 2025-07-30. Review status: criteria provided, single submitter. Criteria: ARUP Molecular Germline Variant Investigation Process 2024. Collection method: clinical testing. Allele origin: germline. Not counted in ClinVar's aggregate classification.

GeneKor MSA
Classification: Benign for Hereditary cancer-predisposing syndrome. Last evaluated: 2025-07-10. Review status: criteria provided, single submitter. Criteria: ACMG Guidelines, 2015. Collection method: clinical testing. Allele origin: germline. Not counted in ClinVar's aggregate classification.

Myriad Genetics, Inc.
Classification: Benign for Lynch syndrome 5. Last evaluated: 2024-12-17. Review status: criteria provided, single submitter. Criteria: Myriad Autosomal Dominant, Autosomal Recessive and X-Linked Classification Criteria (2023). Collection method: clinical testing. Allele origin: unknown. Not counted in ClinVar's aggregate classification.
Comment: This variant is considered benign. This variant is a silent/synonymous amino acid change and it is not expected to impact splicing.

Blueprint Genetics
Classification: Likely benign. Last evaluated: 2024-11-26. Review status: criteria provided, single submitter. Criteria: ACMG Guidelines, 2015. Collection method: clinical testing. Allele origin: germline. Not counted in ClinVar's aggregate classification.

Unidad de Genómica Garrahan, Hospital de Pediatría Garrahan
Classification: Benign. Last evaluated: 2024-01-24. Review status: criteria provided, single submitter. Criteria: ACMG Guidelines, 2015. Collection method: clinical testing. Allele origin: germline. Affected: no. Observed: 29 variant alleles. Not counted in ClinVar's aggregate classification.
Comment: This variant is classified as Benign based on local population frequency. This variant was detected in 31% of patients studied by a panel of primary immunodeficiencies. Number of patients: 29. Only high quality variants are reported.

KCCC/NGS Laboratory, Kuwait Cancer Control Center
Classification: Benign for Lynch syndrome 5. Last evaluated: 2023-07-07. Review status: criteria provided, single submitter. Criteria: ACMG Guidelines, 2015. Collection method: clinical testing. Allele origin: germline. Affected: yes. Not counted in ClinVar's aggregate classification.

Illumina Laboratory Services, Illumina
Classification: Benign for Lynch syndrome 5. Last evaluated: 2018-01-12. Review status: criteria provided, single submitter. Criteria: ICSL Variant Classification Criteria 13 December 2019. Collection method: clinical testing. Allele origin: germline. Not counted in ClinVar's aggregate classification.
Comment: This variant was observed in the ICSL laboratory as part of a predisposition screen in an ostensibly healthy population. It had not been previously curated by ICSL or reported in the Human Gene Mutation Database (HGMD: prior to June 1st, 2018), and was therefore a candidate for classification through an automated scoring system. Utilizing variant allele frequency, disease prevalence and penetrance estimates, and inheritance mode, an automated score was calculated to assess if this variant is too frequent to cause the disease. Based on the score and internal cut-off values, a variant classified as benign is not then subjected to further curation. The score for this variant resulted in a classification of benign for this disease.

Eurofins Ntd Llc (ga)
Classification: Benign. Last evaluated: 2015-05-27. Review status: criteria provided, single submitter. Criteria: EGL Classification Definitions 2015. Collection method: clinical testing. Allele origin: germline. Observed: 14 variant alleles, 14 heterozygotes. Not counted in ClinVar's aggregate classification.

Color Diagnostics, LLC DBA Color Health
Classification: Benign for Hereditary cancer-predisposing syndrome. Last evaluated: 2015-03-30. Review status: criteria provided, single submitter. Criteria: ACMG Guidelines, 2015. Collection method: clinical testing. Allele origin: germline. Not counted in ClinVar's aggregate classification.

GeneDx
Classification: Benign. Last evaluated: 2015-03-03. Review status: criteria provided, single submitter. Criteria: GeneDx Variant Classification Process June 2021. Collection method: clinical testing. Allele origin: germline. Affected: yes. Not counted in ClinVar's aggregate classification.

Ambry Genetics
Classification: Benign for Hereditary cancer-predisposing syndrome. Last evaluated: 2014-10-22. Review status: criteria provided, single submitter. Criteria: Ambry Variant Classification Scheme 2023. Collection method: clinical testing. Allele origin: germline. Not counted in ClinVar's aggregate classification.

Women's Health and Genetics/Laboratory Corporation of America, LabCorp
Classification: Benign for Hereditary non-polyposis colon cancer. Last evaluated: 2011-08-18. Review status: criteria provided, single submitter. Criteria: LabCorp Variant Classification Summary - May 2015. Collection method: curation, clinical testing. Allele origin: germline. Inheritance: autosomal unknown. Affected: yes. Not counted in ClinVar's aggregate classification.
ClinVar note: Converted during submission from benign to Benign.

Laboratory for Molecular Medicine, Mass General Brigham Personalized Medicine
Classification: Benign. Last evaluated: 2011-07-22. Review status: criteria provided, single submitter. Criteria: LMM Criteria. Collection method: clinical testing. Allele origin: germline. Observed: 3 variant alleles. Not counted in ClinVar's aggregate classification.
Comment: This variant is classified as benign because it does not result in an amino acid change and is common in the general population (rs1042820, MAF >1%).

Breakthrough Genomics
Classification: Benign. Review status: criteria provided, single submitter. Criteria: ACMG Guidelines, 2015. Collection method: not provided. Allele origin: germline. Inheritance: Autosomal recessive inheritance. Affected: yes. Not counted in ClinVar's aggregate classification.

PreventionGenetics, part of Exact Sciences
Classification: Benign. Review status: criteria provided, single submitter. Criteria: ACMG Guidelines, 2015. Collection method: clinical testing. Allele origin: germline. Not counted in ClinVar's aggregate classification.

Clinical Genetics DNA and cytogenetics Diagnostics Lab, Erasmus MC, Erasmus Medical Center
Classification: Benign. Review status: no assertion criteria provided. Collection method: clinical testing. Allele origin: germline. Affected: yes. Study: VKGL Data-share Consensus. Not counted in ClinVar's aggregate classification.

Clinical Genetics Laboratory, Department of Pathology, Netherlands Cancer Institute
Classification: Benign. Review status: no assertion criteria provided. Collection method: clinical testing. Allele origin: germline. Affected: yes. Study: VKGL Data-share Consensus. Not counted in ClinVar's aggregate classification.

Clinical Genetics, Academic Medical Center
Classification: Benign. Review status: no assertion criteria provided. Collection method: clinical testing. Allele origin: germline. Affected: yes. Study: VKGL Data-share Consensus. Not counted in ClinVar's aggregate classification.

Department of Pathology and Laboratory Medicine, Sinai Health System
Classification: Benign. Review status: no assertion criteria provided. Collection method: clinical testing. Allele origin: unknown. Affected: yes. Observed: 23 variant alleles. Study: The Canadian Open Genetics Repository (COGR). Not counted in ClinVar's aggregate classification.

Diagnostic Laboratory, Department of Genetics, University Medical Center Groningen
Classification: Benign. Review status: no assertion criteria provided. Collection method: clinical testing. Allele origin: germline. Affected: yes. Study: VKGL Data-share Consensus. Not counted in ClinVar's aggregate classification.

Joint Genome Diagnostic Labs from Nijmegen and Maastricht, Radboudumc and MUMC+
Classification: Benign. Review status: no assertion criteria provided. Collection method: clinical testing. Allele origin: germline. Affected: yes. Study: VKGL Data-share Consensus. Not counted in ClinVar's aggregate classification.

Mayo Clinic Laboratories, Mayo Clinic
Classification: Benign. Review status: no assertion criteria provided. Collection method: clinical testing. Allele origin: unknown. Not counted in ClinVar's aggregate classification.

Literature cited by the submitters: PubMed 10537275 (cited by Women's Health and Genetics/Laboratory Corporation of America, LabCorp); PubMed 15805151 (cited by Women's Health and Genetics/Laboratory Corporation of America, LabCorp); PubMed 10699937 (cited by Women's Health and Genetics/Laboratory Corporation of America, LabCorp); PubMed 10507723 (cited by Women's Health and Genetics/Laboratory Corporation of America, LabCorp).

NM_000179.3(MSH6):c.186C>A (p.Arg62=)

Gene: MSH6 (mutS homolog 6; plus strand). Cytogenetic location: 2p16.3.
Variant type: single nucleotide variant.
Coding change: c.186C>A on transcript NM_000179.3 (MANE Select); coding-DNA position 186, C replaced by A.
Protein change: p.Arg62=; no amino-acid change (arginine 62 retained).
Molecular consequence: synonymous variant. On other transcripts: 5 prime UTR variant (1).
Genome position (GRCh38, 1-based): chr2:47,783,419, C>A. VCF-style: chr2-47783419-C-A. GRCh37 (hg19) VCF-style: chr2-48010558-C-A.
Other names: c.186C>A, p.Arg62= (NM_001281492.2); c.-551C>A (NM_001281493.2).
Identifiers: ClinVar variation 36584 (VCV000036584.60), dbSNP rs1042820, ClinGen allele CA009380.